The following is an entry in ClinVar:

NM_020738.4(KIDINS220):c.1381T>G (p.Cys461Gly)

Gene: KIDINS220 (kinase D interacting substrate 220; minus strand). Cytogenetic location: 2p25.1.
Variant type: single nucleotide variant.
Coding change: c.1381T>G on transcript NM_020738.4 (MANE Select); coding-DNA position 1381, T replaced by G.
Protein change: p.Cys461Gly; replaces cysteine 461 with glycine.
Molecular consequence: missense variant. On other transcripts: non-coding transcript variant (2).
Genome position (GRCh38, 1-based): chr2:8,791,120, A>C on the plus strand (T>G on the coding strand, the complement: KIDINS220 is on the minus strand). VCF-style: chr2-8791120-A-C. GRCh37 (hg19) VCF-style: chr2-8931250-A-C.
Other names: c.1384T>G, p.Cys462Gly (NM_001348729.2, NM_001348731.2, NM_001348734.2 and 3 more transcripts); c.1381T>G, p.Cys461Gly (NM_001348732.2, NM_001348735.2, NM_001348738.2 and 3 more transcripts); c.1255T>G, p.Cys419Gly (NM_001348736.2); short protein forms C419G, C461G, C462G.
Identifiers: ClinVar variation 2650657 (VCV002650657.24), dbSNP rs2528048897, ClinGen allele CA345768252.

ClinVar aggregate classification (germline): Uncertain significance (1 of 4 stars; one submission).

Submission:

CeGaT Center for Human Genetics Tuebingen
Classification: Uncertain significance. Last evaluated: 2022-11-01. Review status: criteria provided, single submitter. Criteria: CeGaT Center For Human Genetics Tuebingen Variant Classification Criteria Version 2. Collection method: clinical testing. Allele origin: germline. Affected: yes. Observed: 1 variant allele.
Comment: KIDINS220: PM2